The following is an entry in ClinVar:

NM_000051.4(ATM):c.8474A>C (p.Gln2825Pro)

Genes: ATM (ATM serine/threonine kinase; plus strand), C11orf65 (chromosome 11 open reading frame 65; minus strand). Cytogenetic location: 11q22.3.
Variant type: single nucleotide variant.
Coding change: c.8474A>C on transcript NM_000051.4 (MANE Select); coding-DNA position 8474, A replaced by C.
Protein change: p.Gln2825Pro; replaces glutamine 2825 with proline.
Molecular consequence: missense variant. On other transcripts: intron variant (2).
Genome position (GRCh38, 1-based): chr11:108,345,798, A>C. VCF-style: chr11-108345798-A-C. GRCh37 (hg19) VCF-style: chr11-108216525-A-C.
Other names: c.8474A>C, p.Gln2825Pro (NM_001351834.2); c.641-36727T>G (NM_001330368.2); c.695-10506T>G (NM_001351110.2); short protein forms Q2825P.
Identifiers: ClinVar variation 2453944 (VCV002453944.2), dbSNP rs1555138094, ClinGen allele CA382518007.

ClinVar aggregate classification (germline): Uncertain significance (1 of 4 stars; one submission).

Conditions:
Hereditary cancer-predisposing syndrome. Also called: Tumor predisposition; Hereditary Cancer Syndrome; Hereditary neoplastic syndrome; Neoplastic Syndromes, Hereditary. Identifiers: Orphanet 140162, MedGen C0027672, MeSH D009386, MONDO:0015356.

Submission:

Ambry Genetics
Classification: Uncertain significance for Hereditary cancer-predisposing syndrome. Last evaluated: 2022-12-14. Review status: criteria provided, single submitter. Criteria: Ambry Variant Classification Scheme 2023. Collection method: clinical testing. Allele origin: germline.
Comment: The p.Q2825P variant (also known as c.8474A>C), located in coding exon 57 of the ATM gene, results from an A to C substitution at nucleotide position 8474. The glutamine at codon 2825 is replaced by proline, an amino acid with similar properties. This amino acid position is conserved. In addition, this alteration is predicted to be tolerated by in silico analysis. Since supporting evidence is limited at this time, the clinical significance of this alteration remains unclear.